The following is an entry in ClinVar:

NM_015272.5(RPGRIP1L):c.122C>T (p.Ala41Val)

Gene: RPGRIP1L (RPGRIP1 like; minus strand). Cytogenetic location: 16q12.2.
Variant type: single nucleotide variant.
Coding change: c.122C>T on transcript NM_015272.5 (MANE Select); coding-DNA position 122, C replaced by T.
Protein change: p.Ala41Val; replaces alanine 41 with valine.
Molecular consequence: missense variant.
Genome position (GRCh38, 1-based): chr16:53,696,259, G>A on the plus strand (C>T on the coding strand, the complement: RPGRIP1L is on the minus strand). VCF-style: chr16-53696259-G-A. GRCh37 (hg19) VCF-style: chr16-53730171-G-A.
Other names: c.122C>T, p.Ala41Val (NM_001127897.4, NM_001308334.3, NM_001328422.2 and 2 more transcripts); short protein forms A41V.
Identifiers: ClinVar variation 1418610 (VCV001418610.6), dbSNP rs1365531088, ClinGen allele CA395926035.

ClinVar aggregate classification (germline): Uncertain significance (1 of 4 stars; one submission).

Conditions:
Joubert syndrome. Also called: CEREBELLOPARENCHYMAL DISORDER IV; JOUBERT-BOLTSHAUSER SYNDROME; Familial aplasia of the vermis. Identifiers: Orphanet 475, MedGen C5979921, MONDO:0018772.
Meckel-Gruber syndrome. Also called: DYSENCEPHALIA SPLANCHNOCYSTICA; GRUBER SYNDROME; Dysencephalia splachnocystica. Identifiers: Orphanet 564, MedGen C0265215, MONDO:0018921.

Allele frequency attached by ClinVar (database versions not stated): gnomAD 0.00001; gnomAD exomes 0.00001 and below 0.00001; TOPMed 0.00001.
gnomAD v4.1: 3 of 1,613,874 alleles (0.00019%); highest among the groups gnomAD compares: Admixed American, 0.0033%; no homozygotes.

Submission:

Labcorp Genetics (formerly Invitae), Labcorp
Classification: Uncertain significance for Joubert syndrome; Meckel-Gruber syndrome. Last evaluated: 2025-01-13. Review status: criteria provided, single submitter. Criteria: Invitae Variant Classification Sherloc (09022015). Collection method: clinical testing. Allele origin: germline.
Comment: This sequence change replaces alanine, which is neutral and non-polar, with valine, which is neutral and non-polar, at codon 41 of the RPGRIP1L protein (p.Ala41Val). This variant is present in population databases (no rsID available, gnomAD 0.007%). This variant has not been reported in the literature in individuals affected with RPGRIP1L-related conditions. ClinVar contains an entry for this variant (Variation ID: 1418610). Invitae Evidence Modeling of protein sequence and biophysical properties (such as structural, functional, and spatial information, amino acid conservation, physicochemical variation, residue mobility, and thermodynamic stability) indicates that this missense variant is not expected to disrupt RPGRIP1L protein function with a negative predictive value of 80%. In summary, the available evidence is currently insufficient to determine the role of this variant in disease. Therefore, it has been classified as a Variant of Uncertain Significance.